The following is an entry in ClinVar:

NM_213599.3(ANO5):c.49G>A (p.Val17Ile)

Gene: ANO5 (anoctamin 5; plus strand). Cytogenetic location: 11p14.3.
Variant type: single nucleotide variant.
Coding change: c.49G>A on transcript NM_213599.3 (MANE Select); coding-DNA position 49, G replaced by A.
Protein change: p.Val17Ile; replaces valine 17 with isoleucine.
Molecular consequence: missense variant.
Genome position (GRCh38, 1-based): chr11:22,203,812, G>A. VCF-style: chr11-22203812-G-A. GRCh37 (hg19) VCF-style: chr11-22225358-G-A.
Other names: c.49G>A, p.Val17Ile (NM_001142649.2); short protein forms V17I.
Identifiers: ClinVar variation 1362404 (VCV001362404.6), dbSNP rs760992965, ClinGen allele CA5922763.

ClinVar aggregate classification (germline): Uncertain significance (1 of 4 stars; one submission).

Conditions:
Autosomal recessive limb-girdle muscular dystrophy type 2L (LGMDR12). Also called: Limb-girdle muscular dystrophy, type 2L; MUSCULAR DYSTROPHY, LIMB-GIRDLE, AUTOSOMAL RECESSIVE 12; Limb-Girdle Muscular Dystrophy R12 Anoctamin-5-Related (LGMD-R12). Identifiers: Orphanet 206549, MedGen C1969785, MONDO:0012652, OMIM 611307.
Gnathodiaphyseal dysplasia (GDD). Also called: GNATHODIAPHYSEAL SCLEROSIS; OSTEOGENESIS IMPERFECTA WITH UNUSUAL SKELETAL LESIONS. Identifiers: Orphanet 53697, MedGen C1833736, MONDO:0008151, OMIM 166260.

Allele frequency attached by ClinVar (database versions not stated): TOPMed below 0.00001; ExAC 0.00001; gnomAD exomes 0.00001.
gnomAD v4.1: 9 of 1,470,614 alleles (0.00061%); highest among the groups gnomAD compares: Non-Finnish European, 0.00085%; no homozygotes.

Submission:

Labcorp Genetics (formerly Invitae), Labcorp
Classification: Uncertain significance for Autosomal recessive limb-girdle muscular dystrophy type 2L; Gnathodiaphyseal dysplasia. Last evaluated: 2023-06-15. Review status: criteria provided, single submitter. Criteria: Invitae Variant Classification Sherloc (09022015). Collection method: clinical testing. Allele origin: germline.
Comment: In summary, the available evidence is currently insufficient to determine the role of this variant in disease. Therefore, it has been classified as a Variant of Uncertain Significance. Advanced modeling of protein sequence and biophysical properties (such as structural, functional, and spatial information, amino acid conservation, physicochemical variation, residue mobility, and thermodynamic stability) performed at Invitae indicates that this missense variant is not expected to disrupt ANO5 protein function. ClinVar contains an entry for this variant (Variation ID: 1362404). This variant has not been reported in the literature in individuals affected with ANO5-related conditions. This sequence change replaces valine, which is neutral and non-polar, with isoleucine, which is neutral and non-polar, at codon 17 of the ANO5 protein (p.Val17Ile). This variant is present in population databases (rs760992965, gnomAD 0.003%).